The following is an entry in ClinVar:

NM_001113378.2(FANCI):c.2459A>G (p.Asp820Gly)

Gene: FANCI (FA complementation group I; plus strand). Cytogenetic location: 15q26.1.
Variant type: single nucleotide variant.
Coding change: c.2459A>G on transcript NM_001113378.2 (MANE Select); coding-DNA position 2459, A replaced by G.
Protein change: p.Asp820Gly; replaces aspartic acid 820 with glycine.
Molecular consequence: missense variant. On other transcripts: intron variant (1).
Genome position (GRCh38, 1-based): chr15:89,294,917, A>G. VCF-style: chr15-89294917-A-G. GRCh37 (hg19) VCF-style: chr15-89838148-A-G.
Other names: c.2180A>G, p.Asp727Gly (NM_001376910.1); c.2459A>G, p.Asp820Gly (NM_001376911.1); c.2456+920A>G (NM_018193.3); short protein forms D820G, D727G.
Identifiers: ClinVar variation 2903528 (VCV002903528.3), dbSNP rs753839678, ClinGen allele CA7723399.
Genomic context (GRCh38, chr15:89,294,917, plus strand): 5'-ATACCAATAGCAGTAAGGGAATCTTCCTTTTTCTTTCTCTCTCTCTGTCTCTCTCTAGGG[A>G]TAGTATCCAAAGCCACCAAGAAAGCCTTTCTGTTCTCAGGTCCAGCAATGAGTTTATGCG-3'
Protein context (NP_001106849.1, residues 810-830): VSSLLTALFR[Asp820Gly]SIQSHQESLS

ClinVar aggregate classification (germline): Uncertain significance (1 of 4 stars; one submission).

Conditions:
Fanconi anemia (FA). Also called: Fanconi's anemia. Identifiers: Orphanet 84, MedGen C0015625, MeSH D005199, MONDO:0019391.

Allele frequency attached by ClinVar (database versions not stated): gnomAD 0.00001; ExAC 0.00004.
gnomAD v4.1: 2 of 1,551,946 alleles (0.00013%); no homozygotes.

Submission:

Labcorp Genetics (formerly Invitae), Labcorp
Classification: Uncertain significance for Fanconi anemia. Last evaluated: 2023-12-01. Review status: criteria provided, single submitter. Criteria: Invitae Variant Classification Sherloc (09022015). Collection method: clinical testing. Allele origin: germline.
Comment: This sequence change replaces aspartic acid, which is acidic and polar, with glycine, which is neutral and non-polar, at codon 820 of the FANCI protein (p.Asp820Gly). This variant is present in population databases (rs753839678, gnomAD 0.006%). This variant has not been reported in the literature in individuals affected with FANCI-related conditions. An algorithm developed to predict the effect of missense changes on protein structure and function (PolyPhen-2) suggests that this variant is likely to be disruptive. In summary, the available evidence is currently insufficient to determine the role of this variant in disease. Therefore, it has been classified as a Variant of Uncertain Significance.